The following is an entry in ClinVar:

ClinVar aggregate classification (germline): Uncertain significance (1 of 4 stars; one submission).

Submission:

Ambry Genetics
Classification: Uncertain significance. Last evaluated: 2025-12-15. Review status: criteria provided, single submitter. Criteria: Ambry Variant Classification Scheme 2023. Collection method: clinical testing. Allele origin: germline.
Comment: The p.T1220I variant (also known as c.3659C>T), located in coding exon 13 of the CDK12 gene, results from a C to T substitution at nucleotide position 3659. The threonine at codon 1220 is replaced by isoleucine, an amino acid with similar properties. This amino acid position is conserved. In addition, this alteration is predicted to be tolerated by in silico analysis. Based on the available evidence, the clinical significance of this variant remains unclear.

NM_016507.4(CDK12):c.3659C>T (p.Thr1220Ile)

Gene: CDK12 (cyclin dependent kinase 12; plus strand). Cytogenetic location: 17q12.
Variant type: single nucleotide variant.
Coding change: c.3659C>T on transcript NM_016507.4 (MANE Select); coding-DNA position 3659, C replaced by T.
Protein change: p.Thr1220Ile; replaces threonine 1220 with isoleucine.
Molecular consequence: missense variant.
Genome position (GRCh38, 1-based): chr17:39,526,215, C>T. VCF-style: chr17-39526215-C-T. GRCh37 (hg19) VCF-style: chr17-37682468-C-T.
Other names: c.3659C>T, p.Thr1220Ile (NM_015083.4); short protein forms T1220I.
Identifiers: ClinVar variation 4841667 (VCV004841667.1).